The following is an entry in ClinVar:

NM_006239.3(PPEF2):c.594G>A (p.Ser198=)

Gene: PPEF2 (protein phosphatase with EF-hand domain 2; minus strand). Cytogenetic location: 4q21.1.
Variant type: single nucleotide variant.
Coding change: c.594G>A on transcript NM_006239.3 (MANE Select); coding-DNA position 594, G replaced by A.
Protein change: p.Ser198=; no amino-acid change (serine 198 retained).
Molecular consequence: synonymous variant.
Genome position (GRCh38, 1-based): chr4:75,884,746, C>T on the plus strand (G>A on the coding strand, the complement: PPEF2 is on the minus strand). VCF-style: chr4-75884746-C-T. GRCh37 (hg19) VCF-style: chr4-76805899-C-T.
Identifiers: ClinVar variation 3777950 (VCV003777950.7).

ClinVar aggregate classification (germline): Likely benign (1 of 4 stars; one submission).

gnomAD v4.1: 78 of 1,589,422 alleles (0.0049%); highest among the groups gnomAD compares: East Asian, 0.018%; no homozygotes.

Submission:

CeGaT Center for Human Genetics Tuebingen
Classification: Likely benign. Last evaluated: 2025-03-01. Review status: criteria provided, single submitter. Criteria: CeGaT Center For Human Genetics Tuebingen Variant Classification Criteria Version 2. Collection method: clinical testing. Allele origin: germline. Affected: yes. Observed: 1 variant allele.
Comment: PPEF2: BP4, BP7